The following is an entry in ClinVar:

NM_000199.5(SGSH):c.1343C>T (p.Thr448Ile)

Gene: SGSH (N-sulfoglucosamine sulfohydrolase; minus strand). Cytogenetic location: 17q25.3.
Variant type: single nucleotide variant.
Coding change: c.1343C>T on transcript NM_000199.5 (MANE Select); coding-DNA position 1343, C replaced by T.
Protein change: p.Thr448Ile; replaces threonine 448 with isoleucine.
Molecular consequence: missense variant. On other transcripts: 3 prime UTR variant (2), non-coding transcript variant (1).
Genome position (GRCh38, 1-based): chr17:80,210,618, G>A on the plus strand (C>T on the coding strand, the complement: SGSH is on the minus strand). VCF-style: chr17-80210618-G-A. GRCh37 (hg19) VCF-style: chr17-78184417-G-A.
Other names: c.*430C>T (NM_001352921.3); c.*393C>T (NM_001352922.2); short protein forms T448I.
Identifiers: ClinVar variation 1513468 (VCV001513468.7), dbSNP rs980620540, ClinGen allele CA294890432.

ClinVar aggregate classification (germline): Uncertain significance (1 of 4 stars; one submission).

Conditions:
Mucopolysaccharidosis, MPS-III-A (MPS3A). Also called: HEPARAN SULFATE SULFATASE DEFICIENCY; SANFILIPPO SYNDROME A; SULFAMIDASE DEFICIENCY; MPS III A; MPS IIIA (Sanfilippo Syndrome Type A); Mucopolysaccharidosis type IIIA (Sanfilippo A). Identifiers: Orphanet 581, Orphanet 79269, MedGen C0086647, MONDO:0009655, OMIM 252900.

Allele frequency attached by ClinVar (database versions not stated): gnomAD exomes below 0.00001.
gnomAD v4.1: 1 of 1,613,750 alleles (0.000062%); highest among the groups gnomAD compares: Non-Finnish European, 0.000085%; no homozygotes.

Submission:

Labcorp Genetics (formerly Invitae), Labcorp
Classification: Uncertain significance for Mucopolysaccharidosis, MPS-III-A. Last evaluated: 2023-11-27. Review status: criteria provided, single submitter. Criteria: Invitae Variant Classification Sherloc (09022015). Collection method: clinical testing. Allele origin: germline.
Comment: This sequence change replaces threonine, which is neutral and polar, with isoleucine, which is neutral and non-polar, at codon 448 of the SGSH protein (p.Thr448Ile). This variant is not present in population databases (gnomAD no frequency). This variant has not been reported in the literature in individuals affected with SGSH-related conditions. ClinVar contains an entry for this variant (Variation ID: 1513468). Advanced modeling of protein sequence and biophysical properties (such as structural, functional, and spatial information, amino acid conservation, physicochemical variation, residue mobility, and thermodynamic stability) has been performed at Invitae for this missense variant, however the output from this modeling did not meet the statistical confidence thresholds required to predict the impact of this variant on SGSH protein function. In summary, the available evidence is currently insufficient to determine the role of this variant in disease. Therefore, it has been classified as a Variant of Uncertain Significance.